The following is an entry in ClinVar:

ClinVar aggregate classification (germline): Likely benign. Review status: criteria provided, multiple submitters, no conflicts (2 of 4 stars). 4 submissions from 4 submitters: Likely benign (3). 1 of the submissions does not count toward it. Last evaluated 2025-11-20.

Conditions:
TUBGCP6-related disorder. Also called: TUBGCP6-related condition.

Allele frequency attached by ClinVar (database versions not stated): gnomAD exomes 0.00008 and 0.00013; ExAC 0.00009; TOPMed 0.00015; gnomAD 0.00018.
gnomAD v4.1: 151 of 1,543,646 alleles (0.0098%); highest among the groups gnomAD compares: Middle Eastern, 0.017%; 1 homozygote.

Submissions (4):

Labcorp Genetics (formerly Invitae), Labcorp
Classification: Likely benign. Last evaluated: 2025-11-20. Review status: criteria provided, single submitter. Criteria: Invitae Variant Classification Sherloc (09022015). Collection method: clinical testing. Allele origin: germline.

Blueprint Genetics
Classification: Likely benign. Last evaluated: 2023-07-13. Review status: criteria provided, single submitter. Criteria: ACMG Guidelines, 2015. Collection method: clinical testing. Allele origin: germline.

Genetic Services Laboratory, University of Chicago
Classification: Likely benign. Last evaluated: 2016-06-08. Review status: criteria provided, single submitter. Criteria: ACMG Guidelines, 2015. Collection method: clinical testing. Allele origin: germline. Affected: no.

PreventionGenetics, part of Exact Sciences
Classification: Likely benign for TUBGCP6-related condition. Last evaluated: 2019-08-19. Review status: no assertion criteria provided. Collection method: clinical testing. Allele origin: germline. Not counted in ClinVar's aggregate classification.
Comment: This variant is classified as likely benign based on ACMG/AMP sequence variant interpretation guidelines (Richards et al. 2015 PMID: 25741868, with internal and published modifications).

NM_020461.4(TUBGCP6):c.4026C>T (p.Ser1342=)

Gene: TUBGCP6 (tubulin gamma complex component 6; minus strand). Cytogenetic location: 22q13.33.
Variant type: single nucleotide variant.
Coding change: c.4026C>T on transcript NM_020461.4 (MANE Select); coding-DNA position 4026, C replaced by T.
Protein change: p.Ser1342=; no amino-acid change (serine 1342 retained).
Molecular consequence: synonymous variant.
Genome position (GRCh38, 1-based): chr22:50,220,333, G>A on the plus strand (C>T on the coding strand, the complement: TUBGCP6 is on the minus strand). VCF-style: chr22-50220333-G-A. GRCh37 (hg19) VCF-style: chr22-50658762-G-A.
Identifiers: ClinVar variation 437145 (VCV000437145.19), dbSNP rs763335019, ClinGen allele CA10307758.